The following is an entry in ClinVar:

NM_000479.5(AMH):c.1589C>T (p.Ala530Val)

Gene: AMH (anti-Mullerian hormone; plus strand). Cytogenetic location: 19p13.3.
Variant type: single nucleotide variant.
Coding change: c.1589C>T on transcript NM_000479.5 (MANE Select); coding-DNA position 1589, C replaced by T.
Protein change: p.Ala530Val; replaces alanine 530 with valine.
Molecular consequence: missense variant.
Genome position (GRCh38, 1-based): chr19:2,251,863, C>T. VCF-style: chr19-2251863-C-T. GRCh37 (hg19) VCF-style: chr19-2251862-C-T.
Other names: short protein forms A530V.
Identifiers: ClinVar variation 1501832 (VCV001501832.6), dbSNP rs759315185, ClinGen allele CA9063122.

ClinVar aggregate classification (germline): Uncertain significance (1 of 4 stars; one submission).

Allele frequency attached by ClinVar (database versions not stated): gnomAD 0.00001; ExAC 0.00019.

Submission:

Labcorp Genetics (formerly Invitae), Labcorp
Classification: Uncertain significance. Last evaluated: 2020-12-23. Review status: criteria provided, single submitter. Criteria: Invitae Variant Classification Sherloc (09022015). Collection method: clinical testing. Allele origin: germline.
Comment: In summary, the available evidence is currently insufficient to determine the role of this variant in disease. Therefore, it has been classified as a Variant of Uncertain Significance. Algorithms developed to predict the effect of missense changes on protein structure and function are either unavailable or do not agree on the potential impact of this missense change (SIFT: "Not Available"; PolyPhen-2: "Probably Damaging"; Align-GVGD: "Not Available"). This variant has not been reported in the literature in individuals with AMH-related conditions. This variant is present in population databases (rs759315185, ExAC 0.2%). This sequence change replaces alanine with valine at codon 530 of the AMH protein (p.Ala530Val). The alanine residue is moderately conserved and there is a small physicochemical difference between alanine and valine.